The following is an entry in ClinVar:

NM_005529.7(HSPG2):c.9292G>A (p.Gly3098Ser)

Gene: HSPG2 (heparan sulfate proteoglycan 2; minus strand). Cytogenetic location: 1p36.12.
Variant type: single nucleotide variant.
Coding change: c.9292G>A on transcript NM_005529.7 (MANE Select); coding-DNA position 9292, G replaced by A.
Protein change: p.Gly3098Ser; replaces glycine 3098 with serine.
Molecular consequence: missense variant.
Genome position (GRCh38, 1-based): chr1:21,841,575, C>T on the plus strand (G>A on the coding strand, the complement: HSPG2 is on the minus strand). VCF-style: chr1-21841575-C-T. GRCh37 (hg19) VCF-style: chr1-22168068-C-T.
Other names: c.9295G>A, p.Gly3099Ser (NM_001291860.2); c.9292G>A (NM_005529.5); short protein forms G3099S, G3098S.
Identifiers: ClinVar variation 1041557 (VCV001041557.5), dbSNP rs183249750, ClinGen allele CA670496.
Genomic context (GRCh38, chr1:21,841,575, plus strand): 5'-CCCACAGGGTCAACGTCCCCTCACCGTGCACACTGAGGTTCACCACACTCTGGGCCACAC[C>T]GTAGGCATTGGAGGCCACGCAGCGGTAGGTACCGTGGTTGCTGGGCCGGGTGCCCACGAT-3'
Protein context (NP_005520.4, residues 3088-3108): TYRCVASNAY[Gly3098Ser]VAQSVVNLSV

ClinVar aggregate classification (germline): Uncertain significance. Review status: criteria provided, multiple submitters, no conflicts (2 of 4 stars). 2 submissions from 2 submitters: Uncertain significance (2). Last evaluated 2025-09-02.

Conditions:
Inborn genetic diseases. Identifiers: MedGen C0950123, MeSH D030342.

Allele frequency attached by ClinVar (database versions not stated): gnomAD exomes 0.00001 and 0.00003; ExAC 0.00002; gnomAD 0.00005; TOPMed 0.00005; ESP Exome Variant Server 0.00008; 1000 Genomes Project 0.00020; 1000 Genomes Project 30x 0.00031.
gnomAD v4.1: 25 of 1,614,234 alleles (0.0015%); highest among the groups gnomAD compares: African/African-American, 0.013%; no homozygotes.

Submissions (2):

Labcorp Genetics (formerly Invitae), Labcorp
Classification: Uncertain significance. Last evaluated: 2025-09-02. Review status: criteria provided, single submitter. Criteria: Invitae Variant Classification Sherloc (09022015). Collection method: clinical testing. Allele origin: germline.
Comment: This sequence change replaces glycine, which is neutral and non-polar, with serine, which is neutral and polar, at codon 3098 of the HSPG2 protein (p.Gly3098Ser). This variant is present in population databases (rs183249750, gnomAD 0.01%). This variant has not been reported in the literature in individuals affected with HSPG2-related conditions. ClinVar contains an entry for this variant (Variation ID: 1041557). An algorithm developed to predict the effect of missense changes on protein structure and function (PolyPhen-2) suggests that this variant is likely to be disruptive. In summary, the available evidence is currently insufficient to determine the role of this variant in disease. Therefore, it has been classified as a Variant of Uncertain Significance.

Ambry Genetics
Classification: Uncertain significance for Inborn genetic diseases. Last evaluated: 2025-03-08. Review status: criteria provided, single submitter. Criteria: Ambry Variant Classification Scheme 2023. Collection method: clinical testing. Allele origin: germline.